The following is an entry in ClinVar:

ClinVar aggregate classification (germline): Pathogenic/Likely pathogenic. Review status: criteria provided, multiple submitters, no conflicts (2 of 4 stars). 8 submissions from 8 submitters: Pathogenic (4); Likely pathogenic (3). 1 of the submissions does not count toward it. Last evaluated 2025-02-19.

Conditions:
Inborn genetic diseases. Identifiers: MedGen C0950123, MeSH D030342.
Congenital disorder of glycosylation (CDG). Also called: Carbohydrate-deficient glycoprotein syndrome; Congenital disorders of glycosylation. Identifiers: Orphanet 137, MedGen C0282577, MONDO:0015286.
ALG1-congenital disorder of glycosylation. Also called: CONGENITAL DISORDER OF GLYCOSYLATION, TYPE Ik; CDG Ik; ALG1-CDG. Identifiers: Orphanet 79327, MedGen C2931005, MONDO:0012052, OMIM 608540.

Allele frequency attached by ClinVar (database versions not stated): gnomAD 0.00001 and 0.00002; gnomAD exomes 0.00001 and below 0.00001; TOPMed 0.00003; ExAC 0.00003.
gnomAD v4.1: 11 of 1,611,954 alleles (0.00068%); highest among the groups gnomAD compares: Admixed American, 0.0033%; no homozygotes.

Submissions (8):

Labcorp Genetics (formerly Invitae), Labcorp
Classification: Likely pathogenic for ALG1-congenital disorder of glycosylation. Last evaluated: 2025-02-19. Review status: criteria provided, single submitter. Criteria: Invitae Variant Classification Sherloc (09022015). Collection method: clinical testing. Allele origin: germline.
Comment: This sequence change replaces alanine, which is neutral and non-polar, with valine, which is neutral and non-polar, at codon 360 of the ALG1 protein (p.Ala360Val). The frequency data for this variant in the population databases is considered unreliable, as metrics indicate poor data quality at this position in the gnomAD database. This missense change has been observed in individual(s) with ALG1-CDG (PMID: 26931382, 33176815). ClinVar contains an entry for this variant (Variation ID: 95931). Invitae Evidence Modeling of protein sequence and biophysical properties (such as structural, functional, and spatial information, amino acid conservation, physicochemical variation, residue mobility, and thermodynamic stability) indicates that this missense variant is not expected to disrupt ALG1 protein function with a negative predictive value of 80%. Experimental studies have shown that this missense change affects ALG1 function (PMID: 26931382). In summary, the currently available evidence indicates that the variant is pathogenic, but additional data are needed to prove that conclusively. Therefore, this variant has been classified as Likely Pathogenic.

ARUP Laboratories, Molecular Genetics and Genomics, ARUP Laboratories
Classification: Pathogenic for ALG1-congenital disorder of glycosylation. Last evaluated: 2025-01-22. Review status: criteria provided, single submitter. Criteria: ARUP Molecular Germline Variant Investigation Process 2024. Collection method: clinical testing. Allele origin: germline.
Comment: The ALG1 c.1079C>T; p.Ala360Val variant (rs398124348) is reported in the literature in multiple individuals with congenital disorder of glycosylation that also carried a second variant in trans (Brucker 2020, Budhraja 2024, Jones 2013, Lin 2020, Ng 2016). The p.Ala360Val variant is only observed on one allele in the Genome Aggregation Database (v2.1.1), indicating it is not a common polymorphism. Computational analyses predict that this variant is deleterious (REVEL: 0.788). Consistent with predictions, functional analyses suggest the variant has reduced activity relative to wildtype protein in a yeast heterologous system (Ng 2016), and patient cells with the variant exhibit reduced ALG1 protein levels and aberrant patterns of glycosylation (Budhraja 2024). Based on available information, this variant is considered to be pathogenic. References: Brucker WJ et al. An emerging role for endothelial barrier support therapy for congenital disorders of glycosylation. J Inherit Metab Dis. 2020 Jul;43(4):880-890. PMID: 32064623. Budhraja R et al. Dysregulated proteome and N-glycoproteome in ALG1-deficient fibroblasts. Proteomics. 2024 Aug;24(15):e2400012. PMID: 38470198. Jones MA et al. Molecular diagnostic testing for congenital disorders of glycosylation (CDG): detection rate for single gene testing and next generation sequencing panel testing. Mol Genet Metab. 2013 Sep-Oct;110(1-2):78-85. PMID: 23806237. Lin L et al. Clinical and genetic characteristics and prenatal diagnosis of patients presented GDD/ID with rare monogenic causes. Orphanet J Rare Dis. 2020 Nov 11;15(1):317. PMID: 33176815. Ng BG et al. ALG1-CDG: Clinical and Molecular Characterization of 39 Unreported Patients. Hum Mutat. 2016 Jul;37(7):653-60. PMID: 26931382.

3billion
Classification: Likely pathogenic for ALG1-congenital disorder of glycosylation. Last evaluated: 2023-10-26. Review status: criteria provided, single submitter. Criteria: ACMG Guidelines, 2015. Collection method: clinical testing. Allele origin: germline. Affected: yes.
Comment: The variant is observed at an extremely low frequency in the gnomAD v2.1.1 dataset (total allele frequency: <0.001%). Predicted Consequence/Location: Missense variant In silico tool predictions suggest damaging effect of the variant on gene or gene product [REVEL: 0.79 (>=0.6, sensitivity 0.68 and specificity 0.92); 3Cnet: 0.81 (>=0.6, sensitivity 0.72 and precision 0.9)]. Same nucleotide change resulting in same amino acid change has been previously reported as pathogenic/likely pathogenic with strong evidence (ClinVar ID: VCV000095931 /PMID: 23806237). Therefore, this variant is classified as Likely pathogenic according to the recommendation of ACMG/AMP guideline.

Fulgent Genetics
Classification: Pathogenic for ALG1-congenital disorder of glycosylation. Last evaluated: 2021-10-28. Review status: criteria provided, single submitter. Criteria: ACMG Guidelines, 2015. Collection method: clinical testing. Allele origin: unknown.

Illumina Laboratory Services, Illumina
Classification: Pathogenic for ALG1-congenital disorder of glycosylation. Last evaluated: 2021-07-19. Review status: criteria provided, single submitter. Criteria: ICSLVariantClassificationCriteria RUGD 01 April 2020. Collection method: clinical testing. Allele origin: unknown.
Comment: The ALG1 c.1079C>T (p.Ala360Val) variant is a missense variant that has been reported in at least eight unrelated individuals, including in a compound heterozygous state in five individuals and unclear zygosity with a second variant in three individuals, all presenting with phenotypes associated with ALG1-congenital disorder of glycosylation. Clinical presentation was variable and included developmental delay, seizures, hypotonia, microcephaly, fevers, and coagulopathy (Jones et al. 2013; Ng et al. 2016; Zhang et al. 2016; Brucker et al. 2020). Two of these individuals received endothelial barrier support therapy with some improvement, but the authors note additional investigation in a larger cohort would be needed (Brucker et al. 2020). The p.Ala360Val variant is reported at a frequency of 0.000131 in the Latino/Admixed American population of the Genome Aggregation Database version 3.1.1, though this is based on two alleles in a region of good sequencing coverage so the variant is presumed to be rare. Functional studies in yeast found that presence of constructs expressing the p.Ala360Val variant did not rescue growth at 37 degree Celsius, specifically at lower cell densities, when compared to wild-type. In addition, while hypoglycosylation was fully restored for wild-type cDNA, it was not fully corrected in the presence of the p.Ala360Val variant (Ng et al. 2016). Based on the collective evidence, the p.Ala360Val variant is classified as pathogenic for ALG1-congenital disorder of glycosylation.

Ambry Genetics
Classification: Pathogenic for Inborn genetic diseases. Last evaluated: 2014-02-06. Review status: criteria provided, single submitter. Criteria: Ambry Autosomal Dominant and X-Linked criteria (10/2015). Collection method: clinical testing. Allele origin: germline. Observed: 1 variant allele.

Eurofins Ntd Llc (ga)
Classification: Likely pathogenic. Last evaluated: 2013-10-08. Review status: criteria provided, single submitter. Criteria: EGL Classification Definitions 2015. Collection method: clinical testing. Allele origin: germline. Observed: 3 variant alleles, 3 heterozygotes.

University of Washington Center for Mendelian Genomics, University of Washington
Classification: Likely pathogenic for Congenital disorder of glycosylation. Last evaluated: 2017-05-25. Review status: no assertion criteria provided. Collection method: research. Allele origin: unknown. Affected: yes. Not counted in ClinVar's aggregate classification.

Literature cited by the submitters: PubMed 26931382 (cited by 3 submitters); PubMed 33176815 (cited by Labcorp Genetics (formerly Invitae), Labcorp); PubMed 23806237 (cited by 3billion and Illumina Laboratory Services, Illumina); PubMed 26430078 (cited by Illumina Laboratory Services, Illumina); PubMed 32064623 (cited by Illumina Laboratory Services, Illumina).

NM_019109.5(ALG1):c.1079C>T (p.Ala360Val)

Gene: ALG1 (ALG1 chitobiosyldiphosphodolichol beta-mannosyltransferase; plus strand). Cytogenetic location: 16p13.3.
Variant type: single nucleotide variant.
Coding change: c.1079C>T on transcript NM_019109.5 (MANE Select); coding-DNA position 1079, C replaced by T.
Protein change: p.Ala360Val; replaces alanine 360 with valine.
Molecular consequence: missense variant.
Genome position (GRCh38, 1-based): chr16:5,082,565, C>T. VCF-style: chr16-5082565-C-T. GRCh37 (hg19) VCF-style: chr16-5132566-C-T.
Other names: c.746C>T, p.Ala249Val (NM_001330504.2); short protein forms A249V.
Identifiers: ClinVar variation 95931 (VCV000095931.19), dbSNP rs398124348, ClinGen allele CA223551.